The following is an entry in ClinVar:

ClinVar aggregate classification (germline): Uncertain significance (1 of 4 stars; one submission).

Conditions:
Renal coloboma syndrome (PAPRS). Also called: PAPILLORENAL SYNDROME; PAPILLORENAL SYNDROME WITH MILD OCULAR ABNORMALITIES; CONGENITAL ANOMALIES OF THE KIDNEY AND URINARY TRACT WITH OR WITHOUT OCULAR ABNORMALITIES; CAKUT WITH OR WITHOUT OCULAR ABNORMALITIES; COLOBOMA OF OPTIC NERVE WITH RENAL DISEASE; OPTIC COLOBOMA, VESICOURETERAL REFLUX, AND RENAL ANOMALIES. Identifiers: Orphanet 1475, MedGen C1852759, MONDO:0007352, OMIM 120330.
Focal segmental glomerulosclerosis 7 (FSGS7). Identifiers: Orphanet 656, MedGen C4014925, MONDO:0014451, OMIM 616002.

Allele frequency attached by ClinVar (database versions not stated): gnomAD exomes below 0.00001; TOPMed below 0.00001; gnomAD 0.00001.
gnomAD v4.1: 7 of 1,614,012 alleles (0.00043%); highest among the groups gnomAD compares: South Asian, 0.0011%; no homozygotes.

Submission:

Labcorp Genetics (formerly Invitae), Labcorp
Classification: Uncertain significance for Renal coloboma syndrome; Focal segmental glomerulosclerosis 7. Last evaluated: 2022-03-06. Review status: criteria provided, single submitter. Criteria: Invitae Variant Classification Sherloc (09022015). Collection method: clinical testing. Allele origin: germline.
Comment: This variant has not been reported in the literature in individuals affected with PAX2-related conditions. This variant is not present in population databases (gnomAD no frequency). This sequence change replaces glutamic acid, which is acidic and polar, with lysine, which is basic and polar, at codon 121 of the PAX2 protein (p.Glu121Lys). In summary, the available evidence is currently insufficient to determine the role of this variant in disease. Therefore, it has been classified as a Variant of Uncertain Significance. Experimental studies and prediction algorithms are not available or were not evaluated, and the functional significance of this variant is currently unknown.

NM_000278.5(PAX2):c.361G>A (p.Glu121Lys)

Gene: PAX2 (paired box 2; plus strand). Cytogenetic location: 10q24.31.
Variant type: single nucleotide variant.
Coding change: c.361G>A on transcript NM_000278.5 (MANE Select); coding-DNA position 361, G replaced by A.
Protein change: p.Glu121Lys; replaces glutamic acid 121 with lysine.
Molecular consequence: missense variant.
Genome position (GRCh38, 1-based): chr10:100,750,842, G>A. VCF-style: chr10-100750842-G-A. GRCh37 (hg19) VCF-style: chr10-102510599-G-A.
Other names: c.454G>A, p.Glu152Lys (NM_001304569.2); c.361G>A, p.Glu121Lys (NM_003987.5, NM_003988.5, NM_003989.5 and 1 more transcripts); short protein forms E121K, E152K.
Identifiers: ClinVar variation 2060792 (VCV002060792.4), dbSNP rs1162043378, ClinGen allele CA378258109.